The following is an entry in ClinVar:

NM_000399.5(EGR2):c.909A>C (p.Ala303=)

Gene: EGR2 (early growth response 2; minus strand). Cytogenetic location: 10q21.3.
Variant type: single nucleotide variant.
Coding change: c.909A>C on transcript NM_000399.5 (MANE Select); coding-DNA position 909, A replaced by C.
Protein change: p.Ala303=; no amino-acid change (alanine 303 retained).
Molecular consequence: synonymous variant.
Genome position (GRCh38, 1-based): chr10:62,813,729, T>G on the plus strand (A>C on the coding strand, the complement: EGR2 is on the minus strand). VCF-style: chr10-62813729-T-G. GRCh37 (hg19) VCF-style: chr10-64573489-T-G.
Other names: c.909A>C (NM_000399.4); c.909A>C, p.Ala303= (NM_001136177.3, NM_001136178.2); c.759A>C, p.Ala253= (NM_001136179.3, NM_001321037.2).
Identifiers: ClinVar variation 415904 (VCV000415904.38), dbSNP rs112474655, ClinGen allele CA5517206.

ClinVar aggregate classification (germline): Benign/Likely benign. Review status: criteria provided, multiple submitters, no conflicts (2 of 4 stars). 8 submissions from 8 submitters: Benign (1); Likely benign (7). Last evaluated 2026-05-01.

Conditions:
EGR2-related disorder. Also called: EGR2-related condition.
Inborn genetic diseases. Identifiers: MedGen C0950123, MeSH D030342.
Charcot-Marie-Tooth disease, type I (CMT1). Also called: Charcot-Marie-Tooth disease type 1; Charcot-Marie-Tooth, Type 1. Identifiers: Orphanet 65753, MedGen C0751036, MONDO:0019011.

Allele frequency attached by ClinVar (database versions not stated): ExAC 0.00049; gnomAD exomes 0.00051; TOPMed 0.00063; 1000 Genomes Project 30x 0.00078; 1000 Genomes Project 0.00080; gnomAD 0.00099 and 0.00101.

Submissions (8):

CeGaT Center for Human Genetics Tuebingen
Classification: Likely benign. Last evaluated: 2026-05-01. Review status: criteria provided, single submitter. Criteria: CeGaT Center For Human Genetics Tuebingen Variant Classification Criteria Version 2. Collection method: clinical testing. Allele origin: germline. Affected: yes. Observed: 2 variant alleles.
Comment: EGR2: BP4, BP7

Women's Health and Genetics/Laboratory Corporation of America, LabCorp
Classification: Likely benign. Last evaluated: 2026-04-28. Review status: criteria provided, single submitter. Criteria: LabCorp Variant Classification Summary - May 2015. Collection method: clinical testing. Allele origin: germline.

Labcorp Genetics (formerly Invitae), Labcorp
Classification: Benign for Charcot-Marie-Tooth disease, type I. Last evaluated: 2025-11-05. Review status: criteria provided, single submitter. Criteria: Invitae Variant Classification Sherloc (09022015). Collection method: clinical testing. Allele origin: germline.

PreventionGenetics, part of Exact Sciences
Classification: Likely benign for EGR2-related condition. Last evaluated: 2025-07-08. Review status: criteria provided, single submitter. Criteria: ACMG Guidelines, 2015. Collection method: clinical testing. Allele origin: germline.
Comment: This variant is classified as likely benign based on ACMG/AMP sequence variant interpretation guidelines (Richards et al. 2015 PMID: 25741868, with internal and published modifications).

Blueprint Genetics
Classification: Likely benign. Last evaluated: 2024-09-23. Review status: criteria provided, single submitter. Criteria: ACMG Guidelines, 2015. Collection method: clinical testing. Allele origin: germline.

Ambry Genetics
Classification: Likely benign for Inborn genetic diseases. Last evaluated: 2019-07-11. Review status: criteria provided, single submitter. Criteria: Ambry Variant Classification Scheme 2023. Collection method: clinical testing. Allele origin: germline.

GeneDx
Classification: Likely benign. Last evaluated: 2017-04-17. Review status: criteria provided, single submitter. Criteria: GeneDx Variant Classification (06012015). Collection method: clinical testing. Allele origin: germline. Affected: yes.
Comment: This variant is considered likely benign or benign based on one or more of the following criteria: it is a conservative change, it occurs at a poorly conserved position in the protein, it is predicted to be benign by multiple in silico algorithms, and/or has population frequency not consistent with disease.

Breakthrough Genomics
Classification: Likely benign. Review status: criteria provided, single submitter. Criteria: ACMG Guidelines, 2015. Collection method: not provided. Allele origin: germline. Inheritance: Autosomal recessive inheritance. Affected: yes.